The following is an entry in ClinVar:

NM_145868.2(ANXA11):c.1004A>G (p.Gln335Arg)

Gene: ANXA11 (annexin A11; minus strand). Cytogenetic location: 10q22.3.
Variant type: single nucleotide variant.
Coding change: c.1004A>G on transcript NM_145868.2 (MANE Select); coding-DNA position 1004, A replaced by G.
Protein change: p.Gln335Arg; replaces glutamine 335 with arginine.
Molecular consequence: missense variant.
Genome position (GRCh38, 1-based): chr10:80,163,559, T>C on the plus strand (A>G on the coding strand, the complement: ANXA11 is on the minus strand). VCF-style: chr10-80163559-T-C. GRCh37 (hg19) VCF-style: chr10-81923315-T-C.
Other names: c.1004A>G, p.Gln335Arg (NM_001157.3, NM_001278407.2, NM_001278408.2 and 1 more transcripts); c.905A>G, p.Gln302Arg (NM_001278409.2); short protein forms Q335R, Q302R.
Identifiers: ClinVar variation 3659985 (VCV003659985.2).
Genomic context (GRCh38, chr10:80,163,559, plus strand): 5'-CTTGGGGGCCCCGAGCCCTGTCGTGGGAAAAGTACCTGAGAGAGAGAGATGAGGAGCCGC[T>C]GGAAGTGCCCTGATGTGTCGCTTCGAATGGCCTCTTCCAGGGTCTTTTTGAATTCTGAAA-3'
Protein context (NP_665875.1, residues 325-345): AIRSDTSGHF[Gln335Arg]RLLISLSQGN

ClinVar aggregate classification (germline): Uncertain significance (1 of 4 stars; one submission).

Submission:

Labcorp Genetics (formerly Invitae), Labcorp
Classification: Uncertain significance. Last evaluated: 2024-07-20. Review status: criteria provided, single submitter. Criteria: Invitae Variant Classification Sherloc (09022015). Collection method: clinical testing. Allele origin: germline.
Comment: This sequence change replaces glutamine, which is neutral and polar, with arginine, which is basic and polar, at codon 335 of the ANXA11 protein (p.Gln335Arg). This variant is not present in population databases (gnomAD no frequency). This variant has not been reported in the literature in individuals affected with ANXA11-related conditions. An algorithm developed to predict the effect of missense changes on protein structure and function (PolyPhen-2) suggests that this variant is likely to be tolerated. In summary, the available evidence is currently insufficient to determine the role of this variant in disease. Therefore, it has been classified as a Variant of Uncertain Significance.